The following is an entry in ClinVar:

NM_006767.4(LZTR1):c.1465G>T (p.Ala489Ser)

Gene: LZTR1 (leucine zipper like post translational regulator 1; plus strand). Cytogenetic location: 22q11.21.
Variant type: single nucleotide variant.
Coding change: c.1465G>T on transcript NM_006767.4 (MANE Select); coding-DNA position 1465, G replaced by T.
Protein change: p.Ala489Ser; replaces alanine 489 with serine.
Molecular consequence: missense variant.
Genome position (GRCh38, 1-based): chr22:20,994,119, G>T. VCF-style: chr22-20994119-G-T. GRCh37 (hg19) VCF-style: chr22-21348408-G-T.
Other names: short protein forms A489S.
Identifiers: ClinVar variation 3665576 (VCV003665576.2).

ClinVar aggregate classification (germline): Uncertain significance (1 of 4 stars; one submission).

gnomAD v4.1: 2 of 1,581,398 alleles (0.00013%); highest among the groups gnomAD compares: South Asian, 0.0011%; no homozygotes.

Submission:

Labcorp Genetics (formerly Invitae), Labcorp
Classification: Uncertain significance. Last evaluated: 2024-10-13. Review status: criteria provided, single submitter. Criteria: Invitae Variant Classification Sherloc (09022015). Collection method: clinical testing. Allele origin: germline.
Comment: This sequence change replaces alanine, which is neutral and non-polar, with serine, which is neutral and polar, at codon 489 of the LZTR1 protein (p.Ala489Ser). The frequency data for this variant in the population databases is considered unreliable, as metrics indicate poor data quality at this position in the gnomAD database. This variant has not been reported in the literature in individuals affected with LZTR1-related conditions. Invitae Evidence Modeling of protein sequence and biophysical properties (such as structural, functional, and spatial information, amino acid conservation, physicochemical variation, residue mobility, and thermodynamic stability) indicates that this missense variant is not expected to disrupt LZTR1 protein function with a negative predictive value of 80%. In summary, the available evidence is currently insufficient to determine the role of this variant in disease. Therefore, it has been classified as a Variant of Uncertain Significance.